The following is an entry in ClinVar:

NM_001393769.1(MED12L):c.3667G>T (p.Asp1223Tyr)

Genes: MED12L (mediator complex subunit 12L; plus strand), P2RY12 (purinergic receptor P2Y12; minus strand). Cytogenetic location: 3q25.1.
Variant type: single nucleotide variant.
Coding change: c.3667G>T on transcript NM_001393769.1 (MANE Select); coding-DNA position 3667, G replaced by T.
Protein change: p.Asp1223Tyr; replaces aspartic acid 1223 with tyrosine.
Molecular consequence: missense variant. On other transcripts: intron variant (1).
Genome position (GRCh38, 1-based): chr3:151,372,569, G>T. VCF-style: chr3-151372569-G-T. GRCh37 (hg19) VCF-style: chr3-151090357-G-T.
Other names: c.-180+12123C>A (NM_022788.5); c.3562G>T, p.Asp1188Tyr (NM_053002.6); short protein forms D1188Y, D1223Y.
Identifiers: ClinVar variation 5020411 (VCV005020411.1).

ClinVar aggregate classification (germline): Uncertain significance (1 of 4 stars; one submission).

Submission:

Dasa
Classification: Uncertain significance. Last evaluated: 2026-08-08. Review status: criteria provided, single submitter. Criteria: DASA Assertion Criteria. Collection method: clinical testing. Allele origin: germline.
Comment: NM_001393769.1(MED12L):c.3667G>T (p.Asp1223Tyr) is a missense variant that results in the substitution of aspartic acid with tyrosine. This variant is absent from population databases. The currently available literature and clinical evidence are not sufficient to establish a definitive association between this variant and the reported condition. Therefore, this variant is classified as a variant of uncertain significance.